The following is an entry in ClinVar:

NM_001148.6(ANK2):c.11408C>T (p.Thr3803Ile)

Gene: ANK2 (ankyrin 2; plus strand). Cytogenetic location: 4q26.
Variant type: single nucleotide variant.
Coding change: c.11408C>T on transcript NM_001148.6 (MANE Select); coding-DNA position 11408, C replaced by T.
Protein change: p.Thr3803Ile; replaces threonine 3803 with isoleucine.
Molecular consequence: missense variant.
Genome position (GRCh38, 1-based): chr4:113,369,603, C>T. VCF-style: chr4-113369603-C-T. GRCh37 (hg19) VCF-style: chr4-114290759-C-T.
Other names: c.5126C>T, p.Thr1709Ile (NM_001127493.3); c.5165C>T, p.Thr1722Ile (NM_001354225.2); c.5054C>T, p.Thr1685Ile (NM_001354228.2, NM_001354258.2); c.5132C>T, p.Thr1711Ile (NM_001354230.2); c.5195C>T, p.Thr1732Ile (NM_001354231.2, NM_001354242.2); c.5189C>T, p.Thr1730Ile (NM_001354232.2); c.5150C>T, p.Thr1717Ile (NM_001354235.2, NM_001354246.2, NM_001354265.2); c.5051C>T, p.Thr1684Ile (NM_001354236.2); and 35 more; short protein forms T1557I, T1618I, T1623I, T1647I, T1732I, T1590I, T1640I, T1643I.
Identifiers: ClinVar variation 2915407 (VCV002915407.3), dbSNP rs985908804, ClinGen allele CA357942657.

ClinVar aggregate classification (germline): Uncertain significance (1 of 4 stars; one submission).

Conditions:
Long QT syndrome (LQTS). Identifiers: MedGen C0023976, MeSH D008133, MONDO:0002442. Disease mechanism: loss of function. Inheritance: Various modes of inheritance.

Submission:

Labcorp Genetics (formerly Invitae), Labcorp
Classification: Uncertain significance for Long QT syndrome. Last evaluated: 2023-10-11. Review status: criteria provided, single submitter. Criteria: Invitae Variant Classification Sherloc (09022015). Collection method: clinical testing. Allele origin: germline.
Comment: This sequence change replaces threonine, which is neutral and polar, with isoleucine, which is neutral and non-polar, at codon 3803 of the ANK2 protein (p.Thr3803Ile). This variant is not present in population databases (gnomAD no frequency). This missense change has been observed in individual(s) with ANK2-related conditions (PMID: 30564305). An algorithm developed to predict the effect of missense changes on protein structure and function (PolyPhen-2) suggests that this variant is likely to be tolerated. In summary, the available evidence is currently insufficient to determine the role of this variant in disease. Therefore, it has been classified as a Variant of Uncertain Significance.

Literature cited by the submitters: PubMed 30564305.